The following is an entry in ClinVar:

ClinVar aggregate classification (germline): Uncertain significance (1 of 4 stars; one submission).

Submission:

Labcorp Genetics (formerly Invitae), Labcorp
Classification: Uncertain significance. Last evaluated: 2023-09-01. Review status: criteria provided, single submitter. Criteria: Invitae Variant Classification Sherloc (09022015). Collection method: clinical testing. Allele origin: germline.
Comment: ClinVar contains an entry for this variant (Variation ID: 1497969). In summary, the available evidence is currently insufficient to determine the role of this variant in disease. Therefore, it has been classified as a Variant of Uncertain Significance. Advanced modeling of protein sequence and biophysical properties (such as structural, functional, and spatial information, amino acid conservation, physicochemical variation, residue mobility, and thermodynamic stability) performed at Invitae indicates that this missense variant is expected to disrupt POLE protein function. This variant has not been reported in the literature in individuals affected with POLE-related conditions. This variant is not present in population databases (gnomAD no frequency). This sequence change replaces alanine, which is neutral and non-polar, with valine, which is neutral and non-polar, at codon 840 of the POLE protein (p.Ala840Val).

NM_006231.4(POLE):c.2519C>T (p.Ala840Val)

Gene: POLE (DNA polymerase epsilon, catalytic subunit; minus strand). Cytogenetic location: 12q24.33.
Variant type: single nucleotide variant.
Coding change: c.2519C>T on transcript NM_006231.4 (MANE Select); coding-DNA position 2519, C replaced by T.
Protein change: p.Ala840Val; replaces alanine 840 with valine.
Molecular consequence: missense variant.
Genome position (GRCh38, 1-based): chr12:132,664,412, G>A on the plus strand (C>T on the coding strand, the complement: POLE is on the minus strand). VCF-style: chr12-132664412-G-A. GRCh37 (hg19) VCF-style: chr12-133240998-G-A.
Other names: short protein forms A840V.
Identifiers: ClinVar variation 1497969 (VCV001497969.6), dbSNP rs2135958244, ClinGen allele CA387396404.
Genomic context (GRCh38, chr12:132,664,412, plus strand): 5'-CTCCCCTTCTGCACTCACCCAATCTGCTCGATCAGCTCCCGTGCCTGGGTGATGATGTTG[G>A]CCCCTGTGAAGCAGACGATGCCAGCCATCTCCATGGAGTACCAGCGAGCCCTGAGAGGAC-3'
Protein context (NP_006222.2, residues 830-850): EMAGIVCFTG[Ala840Val]NIITQARELI